The following is an entry in ClinVar:

NM_001385001.1(MCTP2):c.1818A>G (p.Val606=)

Gene: MCTP2 (multiple C2 and transmembrane domain containing 2; plus strand). Cytogenetic location: 15q26.2.
Variant type: single nucleotide variant.
Coding change: c.1818A>G on transcript NM_001385001.1 (MANE Select); coding-DNA position 1818, A replaced by G.
Protein change: p.Val606=; no amino-acid change (valine 606 retained).
Molecular consequence: synonymous variant. On other transcripts: non-coding transcript variant (7).
Genome position (GRCh38, 1-based): chr15:94,398,990, A>G. VCF-style: chr15-94398990-A-G. GRCh37 (hg19) VCF-style: chr15-94942219-A-G.
Other names: c.1818A>G, p.Val606= (NM_001159643.2, NM_001385002.1, NM_001385003.1 and 5 more transcripts); c.582A>G, p.Val194= (NM_001159644.2); c.1536A>G, p.Val512= (NM_001385007.1); c.1320A>G, p.Val440= (NM_001385009.1, NM_001385010.1); c.1500A>G, p.Val500= (NM_001385011.1).
Identifiers: ClinVar variation 3047508 (VCV003047508.2), dbSNP rs754994490, ClinGen allele CA7750135.
Genomic context (GRCh38, chr15:94,398,990, plus strand): 5'-CAATGTGTATTTTGTCTTTTGTTTGTGACAGATTAGAGATGGACAACCGAATTGTTATGT[A>G]CTAAAGAATAAAGATTTAGAACAAGCTTTTAAAGGAGTTATTTACTTAGAGATGGACCTT-3'
Protein context (NP_001371930.1, residues 596-616): SIRDGQPNCY[Val606=]LKNKDLEQAF

ClinVar aggregate classification (germline): Likely benign (0 of 4 stars; one submission).

Conditions:
MCTP2-related disorder. Also called: MCTP2-related condition.

Allele frequency attached by ClinVar (database versions not stated): gnomAD exomes below 0.00001; gnomAD 0.00001; ExAC 0.00002; TOPMed 0.00003.
gnomAD v4.1: 5 of 1,561,874 alleles (0.00032%); highest among the groups gnomAD compares: Admixed American, 0.0033%; no homozygotes.

Submission:

PreventionGenetics, part of Exact Sciences
Classification: Likely benign for MCTP2-related condition. Last evaluated: 2019-04-15. Review status: no assertion criteria provided. Collection method: clinical testing. Allele origin: germline.
Comment: This variant is classified as likely benign based on ACMG/AMP sequence variant interpretation guidelines (Richards et al. 2015 PMID: 25741868, with internal and published modifications).